The following is an entry in ClinVar:

NM_015559.3(SETBP1):c.4244G>A (p.Cys1415Tyr)

Gene: SETBP1 (SET binding protein 1; plus strand). Cytogenetic location: 18q12.3.
Variant type: single nucleotide variant.
Coding change: c.4244G>A on transcript NM_015559.3 (MANE Select); coding-DNA position 4244, G replaced by A.
Protein change: p.Cys1415Tyr; replaces cysteine 1415 with tyrosine.
Molecular consequence: missense variant.
Genome position (GRCh38, 1-based): chr18:45,063,151, G>A. VCF-style: chr18-45063151-G-A. GRCh37 (hg19) VCF-style: chr18-42643116-G-A.
Other names: c.4244G>A (NM_015559.2); c.4244G>A, p.Cys1415Tyr (NM_001379141.1, NM_001379142.1); c.4073G>A, p.Cys1358Tyr (NM_001410862.1); short protein forms C1415Y, C1358Y.
Identifiers: ClinVar variation 2769813 (VCV002769813.4), dbSNP rs2511368447, ClinGen allele CA402482966.

ClinVar aggregate classification (germline): Uncertain significance. Review status: criteria provided, multiple submitters, no conflicts (2 of 4 stars). 2 submissions from 2 submitters: Uncertain significance (2). Last evaluated 2024-05-30.

Submissions (2):

GeneDx
Classification: Uncertain significance. Last evaluated: 2024-05-30. Review status: criteria provided, single submitter. Criteria: GeneDx Variant Classification Process June 2021. Collection method: clinical testing. Allele origin: germline. Affected: yes.
Comment: Not observed at significant frequency in large population cohorts (gnomAD); In silico analysis supports that this missense variant has a deleterious effect on protein structure/function; Has not been previously published as pathogenic or benign to our knowledge

Labcorp Genetics (formerly Invitae), Labcorp
Classification: Uncertain significance. Last evaluated: 2023-09-10. Review status: criteria provided, single submitter. Criteria: Invitae Variant Classification Sherloc (09022015). Collection method: clinical testing. Allele origin: germline.
Comment: This sequence change replaces cysteine, which is neutral and slightly polar, with tyrosine, which is neutral and polar, at codon 1415 of the SETBP1 protein (p.Cys1415Tyr). Advanced modeling of protein sequence and biophysical properties (such as structural, functional, and spatial information, amino acid conservation, physicochemical variation, residue mobility, and thermodynamic stability) performed at Invitae indicates that this missense variant is not expected to disrupt SETBP1 protein function. This variant has not been reported in the literature in individuals affected with SETBP1-related conditions. In summary, the available evidence is currently insufficient to determine the role of this variant in disease. Therefore, it has been classified as a Variant of Uncertain Significance. This variant is not present in population databases (gnomAD no frequency).